The following is an entry in ClinVar:

ClinVar aggregate classification (germline): Uncertain significance. Review status: criteria provided, multiple submitters, no conflicts (2 of 4 stars). 2 submissions from 2 submitters: Uncertain significance (2). Last evaluated 2024-01-09.

Conditions:
RASopathy. Also called: rasopathies; Noonan spectrum disorder. Identifiers: Orphanet 536391, MedGen C5555857, MONDO:0021060.
Cardiovascular phenotype. Identifiers: MedGen CN230736.

Allele frequency attached by ClinVar (database versions not stated): gnomAD 0.00001; gnomAD exomes 0.00002; TOPMed 0.00002.

Submissions (2):

Ambry Genetics
Classification: Uncertain significance for Cardiovascular phenotype. Last evaluated: 2024-01-09. Review status: criteria provided, single submitter. Criteria: Ambry Variant Classification Scheme 2023. Collection method: clinical testing. Allele origin: germline.
Comment: The p.R354Q variant (also known as c.1061G>A), located in coding exon 9 of the RAF1 gene, results from a G to A substitution at nucleotide position 1061. The arginine at codon 354 is replaced by glutamine, an amino acid with highly similar properties. This amino acid position is highly conserved in available vertebrate species. In addition, the in silico prediction for this alteration is inconclusive. Since supporting evidence is limited at this time, the clinical significance of this alteration remains unclear.

Labcorp Genetics (formerly Invitae), Labcorp
Classification: Uncertain significance for RASopathy. Last evaluated: 2022-12-10. Review status: criteria provided, single submitter. Criteria: Invitae Variant Classification Sherloc (09022015). Collection method: clinical testing. Allele origin: germline.
Comment: In summary, the available evidence is currently insufficient to determine the role of this variant in disease. Therefore, it has been classified as a Variant of Uncertain Significance. Algorithms developed to predict the effect of sequence changes on RNA splicing suggest that this variant may disrupt the consensus splice site. Advanced modeling of protein sequence and biophysical properties (such as structural, functional, and spatial information, amino acid conservation, physicochemical variation, residue mobility, and thermodynamic stability) performed at Invitae indicates that this missense variant is expected to disrupt RAF1 protein function. ClinVar contains an entry for this variant (Variation ID: 864815). This missense change has been observed in individual(s) with clinical features of RAF1-related conditions and/or familial hypercholesterolemia (PMID: 33111339; Invitae). This variant is present in population databases (no rsID available, gnomAD 0.007%). This sequence change replaces arginine, which is basic and polar, with glutamine, which is neutral and polar, at codon 354 of the RAF1 protein (p.Arg354Gln).

Literature cited by the submitters: PubMed 33111339 (cited by Labcorp Genetics (formerly Invitae), Labcorp).

NM_002880.4(RAF1):c.1061G>A (p.Arg354Gln)

Gene: RAF1 (Raf-1 proto-oncogene, serine/threonine kinase; minus strand). Cytogenetic location: 3p25.2.
Variant type: single nucleotide variant.
Coding change: c.1061G>A on transcript NM_002880.4 (MANE Select); coding-DNA position 1061, G replaced by A.
Protein change: p.Arg354Gln; replaces arginine 354 with glutamine.
Molecular consequence: missense variant. On other transcripts: non-coding transcript variant (3).
Genome position (GRCh38, 1-based): chr3:12,599,738, C>T on the plus strand (G>A on the coding strand, the complement: RAF1 is on the minus strand). VCF-style: chr3-12599738-C-T. GRCh37 (hg19) VCF-style: chr3-12641237-C-T.
Other names: c.1121G>A, p.Arg374Gln (NM_001354689.3); c.1061G>A, p.Arg354Gln (NM_001354690.3); c.818G>A, p.Arg273Gln (NM_001354691.3, NM_001354692.3); c.962G>A, p.Arg321Gln (NM_001354693.3); c.878G>A, p.Arg293Gln (NM_001354694.3); c.719G>A, p.Arg240Gln (NM_001354695.3); short protein forms R374Q, R273Q, R354Q, R321Q, R240Q, R293Q.
Identifiers: ClinVar variation 864815 (VCV000864815.10), dbSNP rs906171410, ClinGen allele CA69616395.